The following is an entry in ClinVar:

ClinVar aggregate classification (germline): Likely benign (1 of 4 stars; one submission).

Allele frequency attached by ClinVar (database versions not stated): 1000 Genomes Project 0.00020; gnomAD 0.00093; 1000 Genomes Project 30x 0.00094; TOPMed 0.00114.
gnomAD v4.1: 1,355 of 1,277,418 alleles (0.11%); highest among the groups gnomAD compares: Middle Eastern, 0.8%; 2 homozygotes.

Submission:

CeGaT Center for Human Genetics Tuebingen
Classification: Likely benign. Last evaluated: 2023-03-01. Review status: criteria provided, single submitter. Criteria: CeGaT Center For Human Genetics Tuebingen Variant Classification Criteria Version 2. Collection method: clinical testing. Allele origin: germline. Affected: yes. Observed: 1 variant allele.
Comment: IGDCC4: BP4, BP7

NM_020962.3(IGDCC4):c.48C>G (p.Thr16=)

Gene: IGDCC4 (immunoglobulin superfamily DCC subclass member 4; minus strand). Cytogenetic location: 15q22.31.
Variant type: single nucleotide variant.
Coding change: c.48C>G on transcript NM_020962.3 (MANE Select); coding-DNA position 48, C replaced by G.
Protein change: p.Thr16=; no amino-acid change (threonine 16 retained).
Molecular consequence: synonymous variant.
Genome position (GRCh38, 1-based): chr15:65,422,815, G>C on the plus strand (C>G on the coding strand, the complement: IGDCC4 is on the minus strand). VCF-style: chr15-65422815-G-C. GRCh37 (hg19) VCF-style: chr15-65715153-G-C.
Identifiers: ClinVar variation 2645464 (VCV002645464.24), dbSNP rs576529626, ClinGen allele CA7618141.